The following is an entry in ClinVar:

ClinVar aggregate classification (germline): Uncertain significance (1 of 4 stars; one submission).

Conditions:
Fanconi anemia complementation group O. Also called: RAD51C-Related Fanconi Anemia. Identifiers: Orphanet 84, MedGen C3150653, MONDO:0013248, OMIM 613390.

Submission:

Labcorp Genetics (formerly Invitae), Labcorp
Classification: Uncertain significance for Fanconi anemia complementation group O. Last evaluated: 2023-09-22. Review status: criteria provided, single submitter. Criteria: Invitae Variant Classification Sherloc (09022015). Collection method: clinical testing. Allele origin: germline.
Comment: Advanced modeling of protein sequence and biophysical properties (such as structural, functional, and spatial information, amino acid conservation, physicochemical variation, residue mobility, and thermodynamic stability) has been performed at Invitae for this missense variant, however the output from this modeling did not meet the statistical confidence thresholds required to predict the impact of this variant on RAD51C protein function. In summary, the available evidence is currently insufficient to determine the role of this variant in disease. Therefore, it has been classified as a Variant of Uncertain Significance. This variant has not been reported in the literature in individuals affected with RAD51C-related conditions. This variant is not present in population databases (gnomAD no frequency). This sequence change replaces proline, which is neutral and non-polar, with alanine, which is neutral and non-polar, at codon 127 of the RAD51C protein (p.Pro127Ala).

NM_058216.3(RAD51C):c.379C>G (p.Pro127Ala)

Gene: RAD51C (RAD51 paralog C; plus strand). Cytogenetic location: 17q22.
Variant type: single nucleotide variant.
Coding change: c.379C>G on transcript NM_058216.3 (MANE Select); coding-DNA position 379, C replaced by G.
Protein change: p.Pro127Ala; replaces proline 127 with alanine.
Molecular consequence: missense variant. On other transcripts: non-coding transcript variant (2).
Genome position (GRCh38, 1-based): chr17:58,695,164, C>G. VCF-style: chr17-58695164-C-G. GRCh37 (hg19) VCF-style: chr17-56772525-C-G.
Other names: c.379C>G, p.Pro127Ala (NM_002876.4, NM_058217.1); short protein forms P127A.
Identifiers: ClinVar variation 2981918 (VCV002981918.3), dbSNP rs587782222, ClinGen allele CA400341885.
Genomic context (GRCh38, chr17:58,695,164, plus strand): 5'-CTAGATGATATTCTTGGGGGTGGAGTGCCCTTAATGAAAACAACAGAAATTTGTGGTGCA[C>G]CAGGTGTTGGAAAAACACAATTATGGTAAAATAAAGTGTTCTCCTTTTAAGGGTGGGTTT-3'
Protein context (NP_478123.1, residues 117-137): LMKTTEICGA[Pro127Ala]GVGKTQLCMQ